The following is an entry in ClinVar:

NM_001851.6(COL9A1):c.347C>T (p.Thr116Met)

Gene: COL9A1 (collagen type IX alpha 1 chain; minus strand). Cytogenetic location: 6q13.
Variant type: single nucleotide variant.
Coding change: c.347C>T on transcript NM_001851.6 (MANE Select); coding-DNA position 347, C replaced by T.
Protein change: p.Thr116Met; replaces threonine 116 with methionine.
Molecular consequence: missense variant.
Genome position (GRCh38, 1-based): chr6:70,294,516, G>A on the plus strand (C>T on the coding strand, the complement: COL9A1 is on the minus strand). VCF-style: chr6-70294516-G-A. GRCh37 (hg19) VCF-style: chr6-71004219-G-A.
Other names: c.347C>T (NM_001851.4); c.347C>T, p.Thr116Met (NM_001377291.1); short protein forms T116M.
Identifiers: ClinVar variation 1476145 (VCV001476145.5), dbSNP rs768503089, ClinGen allele CA3882837.
Genomic context (GRCh38, chr6:70,294,516, plus strand): 5'-GAATCCTGAATCTGCCAAATGTTCCAGTTCTTTTTGAGAGTGCTTCCAGTCATTCGAAAC[G>A]TCGTCAAGAAGGAGTATTCTTCAGGCAGTCCACTGGGATATAAATTCCTGAGTAAAATTT-3'
Protein context (NP_001842.3, residues 106-126): GLPEEYSFLT[Thr116Met]FRMTGSTLKK

ClinVar aggregate classification (germline): Uncertain significance. Review status: criteria provided, multiple submitters, no conflicts (2 of 4 stars). 3 submissions from 3 submitters: Uncertain significance (3). Last evaluated 2024-11-18.

Conditions:
COL9A1-related disorder. Also called: COL9A1-related condition; COL9A1-related disorders.

Allele frequency attached by ClinVar (database versions not stated): gnomAD 0.00001; gnomAD exomes 0.00001 and 0.00003; ExAC 0.00002.
gnomAD v4.1: 25 of 1,613,900 alleles (0.0015%); highest among the groups gnomAD compares: South Asian, 0.0088%; no homozygotes.

Submissions (3):

PreventionGenetics, part of Exact Sciences
Classification: Uncertain significance for COL9A1-related condition. Last evaluated: 2024-11-18. Review status: criteria provided, single submitter. Criteria: ACMG Guidelines, 2015. Collection method: clinical testing. Allele origin: germline.
Comment: The COL9A1 c.347C>T variant is predicted to result in the amino acid substitution p.Thr116Met. This variant was reported together with second COL9A1 variant in an individual with Hearing loss (Ma et al. 2023. PubMed ID: 36597107). This variant has not been reported in a large population database (gnomAD), indicating this variant is rare. At this time, the clinical significance of this variant is uncertain due to the absence of conclusive functional and genetic evidence.

Blueprint Genetics
Classification: Uncertain significance. Last evaluated: 2024-09-23. Review status: criteria provided, single submitter. Criteria: ACMG Guidelines, 2015. Collection method: clinical testing. Allele origin: germline.

Labcorp Genetics (formerly Invitae), Labcorp
Classification: Uncertain significance. Last evaluated: 2022-06-28. Review status: criteria provided, single submitter. Criteria: Invitae Variant Classification Sherloc (09022015). Collection method: clinical testing. Allele origin: germline.
Comment: This sequence change replaces threonine, which is neutral and polar, with methionine, which is neutral and non-polar, at codon 116 of the COL9A1 protein (p.Thr116Met). This variant is present in population databases (rs768503089, gnomAD 0.02%). This variant has not been reported in the literature in individuals affected with COL9A1-related conditions. Advanced modeling of protein sequence and biophysical properties (such as structural, functional, and spatial information, amino acid conservation, physicochemical variation, residue mobility, and thermodynamic stability) performed at Invitae indicates that this missense variant is not expected to disrupt COL9A1 protein function. In summary, the available evidence is currently insufficient to determine the role of this variant in disease. Therefore, it has been classified as a Variant of Uncertain Significance.